The following is an entry in ClinVar:

ClinVar aggregate classification (germline): Conflicting classifications of pathogenicity. Review status: criteria provided, conflicting classifications (1 of 4 stars). 2 submissions from 2 submitters: Uncertain significance (1); Likely benign (1). Last evaluated 2024-02-05.

Allele frequency attached by ClinVar (database versions not stated): gnomAD exomes 0.00002 and 0.00001; ExAC 0.00003; TOPMed 0.00005; gnomAD 0.00008 and 0.00009.

Submissions (2):

Labcorp Genetics (formerly Invitae), Labcorp
Classification: Likely benign. Last evaluated: 2024-02-05. Review status: criteria provided, single submitter. Criteria: Invitae Variant Classification Sherloc (09022015). Collection method: clinical testing. Allele origin: germline.

GeneDx
Classification: Uncertain significance. Last evaluated: 2020-02-02. Review status: criteria provided, single submitter. Criteria: GeneDx Variant Classification Process June 2021. Collection method: clinical testing. Allele origin: germline. Affected: yes.
Comment: Not observed at a significant frequency in large population cohorts (Lek et al., 2016); In silico analysis supports that this missense variant has a deleterious effect on protein structure/function; Has not been previously published as pathogenic or benign to our knowledge

NM_001844.5(COL2A1):c.112G>A (p.Gly38Arg)

Gene: COL2A1 (collagen type II alpha 1 chain; minus strand). Cytogenetic location: 12q13.11.
Variant type: single nucleotide variant.
Coding change: c.112G>A on transcript NM_001844.5 (MANE Select); coding-DNA position 112, G replaced by A.
Protein change: p.Gly38Arg; replaces glycine 38 with arginine.
Molecular consequence: missense variant. On other transcripts: intron variant (1).
Genome position (GRCh38, 1-based): chr12:48,000,099, C>T on the plus strand (G>A on the coding strand, the complement: COL2A1 is on the minus strand). VCF-style: chr12-48000099-C-T. GRCh37 (hg19) VCF-style: chr12-48393882-C-T.
Other names: c.86-1668G>A (NM_033150.3); short protein forms G38R.
Identifiers: ClinVar variation 961665 (VCV000961665.11), dbSNP rs765855138, ClinGen allele CA6536091.